The following is an entry in ClinVar:

NM_000051.4(ATM):c.4768C>T (p.Leu1590Phe)

Gene: ATM (ATM serine/threonine kinase; plus strand). Cytogenetic location: 11q22.3.
Variant type: single nucleotide variant.
Coding change: c.4768C>T on transcript NM_000051.4 (MANE Select); coding-DNA position 4768, C replaced by T.
Protein change: p.Leu1590Phe; replaces leucine 1590 with phenylalanine.
Molecular consequence: missense variant.
Genome position (GRCh38, 1-based): chr11:108,293,469, C>T. VCF-style: chr11-108293469-C-T. GRCh37 (hg19) VCF-style: chr11-108164196-C-T.
Other names: p.L1590F:CTC>TTC; c.4768C>T, p.Leu1590Phe (NM_001351834.2); c.4768C>T (NM_000051.2); short protein forms L1590F.
Identifiers: ClinVar variation 181961 (VCV000181961.84), dbSNP rs35962982, ClinGen allele CA298257.

ClinVar aggregate classification (germline): Conflicting classifications of pathogenicity. Review status: criteria provided, conflicting classifications (1 of 4 stars). 19 submissions from 19 submitters: Uncertain significance (9); Likely benign (8). 2 of the submissions do not count toward it. Last evaluated 2026-09-14.

Conditions:
ATM-related cancer predisposition. Also called: ATM-related cancer susceptibility. Identifiers: MedGen CN377759, MONDO:0700270.
ATM-related disorder. Also called: ATM-related disorders; ATM-related condition.
Familial cancer of breast. Also called: hereditary breast carcinoma; BREAST CANCER, FAMILIAL; Hereditary breast cancer. Identifiers: Orphanet 227535, MedGen C0346153, MONDO:0016419, OMIM 114480. Disease mechanism: loss of function.
Ataxia-telangiectasia syndrome (AT). Also called: LOUIS-BAR SYNDROME; ATAXIA-TELANGIECTASIA, COMPLEMENTATION GROUP A; ATAXIA-TELANGIECTASIA, FRESNO VARIANT; Ataxia-telangiectasia; Ataxia telangiectasia (A-T); Ataxia-telangiectasia, complementation group D. Identifiers: Orphanet 100, MedGen C0004135, MONDO:0008840, OMIM 208900.
Hereditary cancer-predisposing syndrome. Also called: Hereditary neoplastic syndrome; Neoplastic Syndromes, Hereditary; Tumor predisposition; Hereditary Cancer Syndrome. Identifiers: Orphanet 140162, MedGen C0027672, MeSH D009386, MONDO:0015356.

Allele frequency attached by ClinVar (database versions not stated): TOPMed 0.00006; ESP Exome Variant Server 0.00008; gnomAD exomes 0.00013; gnomAD 0.00018 and 0.00019; ExAC 0.00021.
gnomAD v4.1: 205 of 1,610,480 alleles (0.013%); highest among the groups gnomAD compares: Non-Finnish European, 0.016%; 1 homozygote.

Submissions (19):

Hema, HEMA – Genetic and Molecular Diagnostic Laboratory
Classification: Uncertain significance for ATM-related cancer predisposition. Last evaluated: 2026-09-14. Review status: criteria provided, single submitter. Criteria: HEMA Variant Classification Assertion Criteria. Collection method: clinical testing. Allele origin: germline.
Comment: The c.4768C>T (p.Leu1590Phe) variant is a transition from cytosine to thymine, resulting in the substitution of leucine 1590 with phenylalanine. The frequency of the variant in gnomAD does not allow the application of PM2_Supporting or BS1. The score from the metapredictor REVEL is not conclusive. In the absence of further evidence, this variant is classified as a variant of uncertain significance.

Women's Health and Genetics/Laboratory Corporation of America, LabCorp
Classification: Likely benign. Last evaluated: 2026-03-11. Review status: criteria provided, single submitter. Criteria: LabCorp Variant Classification Summary - May 2015. Collection method: clinical testing. Allele origin: germline.
Comment: Variant summary: ATM c.4768C>T (p.Leu1590Phe) results in a non-conservative amino acid change in the encoded protein sequence. Algorithms developed to predict the effect of missense changes on protein structure and function all suggest that this variant is likely to be disruptive. The variant allele was found at a frequency of 0.00013 in 250352 control chromosomes, predominantly at a frequency of 0.00025 within the Non-Finnish European subpopulation in the gnomAD database. The observed variant frequency within Non-Finnish European control individuals in the gnomAD database exceeds the estimated maximal expected allele frequency for disease-causing variants in ATM. c.4768C>T has been observed in individual(s) affected with breast cancer (e.g. Tung_2015, Goidescu_2018, Catana_2023), prostate cancer (e.g. Karlsson_2021) and other types of cancer (e.g. Jori_2015, Pearlman_2016, Yurgelun_2017, Dalmasso_2021) as well as in healthy control individuals (e.g. Karlsson_2021 Dalmasso_2021). In addition, a case-control study showed that this variant is not associated with breast cancer (Dorling_2021). These report(s) do not provide unequivocal conclusions about association of the variant with Breast Cancer. To our knowledge, no experimental evidence demonstrating an impact on protein function has been reported. The following publications have been ascertained in the context of this evaluation (PMID: 37239058, 34262154, 22529920, 40508121, 29785153, 26517685, 33436325, 27978560, 25186627, 28135145). ClinVar contains an entry for this variant (Variation ID: 181961). Based on the evidence outlined above, the variant was classified as likely benign.

Labcorp Genetics (formerly Invitae), Labcorp
Classification: Likely benign for Ataxia-telangiectasia syndrome. Last evaluated: 2026-01-31. Review status: criteria provided, single submitter. Criteria: Invitae Variant Classification Sherloc (09022015). Collection method: clinical testing. Allele origin: germline.

Center for Genomic Medicine, Rigshospitalet, Copenhagen University Hospital
Classification: Uncertain significance. Last evaluated: 2025-12-29. Review status: criteria provided, single submitter. Criteria: ACMG Guidelines, 2015. Collection method: clinical testing. Allele origin: germline.

PreventionGenetics, part of Exact Sciences
Classification: Likely benign for ATM-related condition. Last evaluated: 2025-09-24. Review status: criteria provided, single submitter. Criteria: ACMG Guidelines, 2015. Collection method: clinical testing. Allele origin: germline.
Comment: This variant is classified as likely benign based on ACMG/AMP sequence variant interpretation guidelines (Richards et al. 2015 PMID: 25741868, with internal and published modifications).

CeGaT Center for Human Genetics Tuebingen
Classification: Uncertain significance. Last evaluated: 2025-09-01. Review status: criteria provided, single submitter. Criteria: CeGaT Center For Human Genetics Tuebingen Variant Classification Criteria Version 2. Collection method: clinical testing. Allele origin: germline. Affected: yes. Observed: 3 variant alleles.

Quest Diagnostics Nichols Institute San Juan Capistrano
Classification: Likely benign. Last evaluated: 2025-02-27. Review status: criteria provided, single submitter. Criteria: Quest Diagnostics criteria. Collection method: clinical testing. Allele origin: unknown.

Blueprint Genetics
Classification: Likely benign. Last evaluated: 2024-11-20. Review status: criteria provided, single submitter. Criteria: ACMG Guidelines, 2015. Collection method: clinical testing. Allele origin: germline.

Institute for Biomarker Research, Medical Diagnostic Laboratories, L.L.C.
Classification: Uncertain significance for Hereditary cancer-predisposing syndrome. Last evaluated: 2024-09-16. Review status: criteria provided, single submitter. Criteria: ACMG Guidelines, 2015. Collection method: clinical testing. Allele origin: germline.
Comment: The missense variant NM_000051.4(ATM):c.4768C>T (p.Leu1590Phe) has not been reported previously as a pathogenic variant nor as a benign variant, to our knowledge. There is a small physicochemical difference between leucine and phenylalanine, which is not likely to impact secondary protein structure as these residues share similar properties. The gene ATM has a low rate of benign missense variation as indicated by a high missense variants Z-Score of 2.52. The gene ATM contains 167 pathogenic missense variants, indicating that missense variants are a common mechanism of disease in this gene. 2 variants within 6 amino acid positions of the variant p.Leu1590Phe have been shown to be pathogenic, while none have been shown to be benign. The p.Leu1590Phe missense variant is predicted to be damaging by both SIFT and PolyPhen2. The leucine residue at codon 1590 of ATM is conserved in all mammalian species. The nucleotide c.4768 in ATM is predicted conserved by GERP++ and PhyloP across 100 vertebrates. For these reasons, this variant has been classified as Uncertain Significance

Myriad Genetics, Inc.
Classification: Likely benign for Familial cancer of breast. Last evaluated: 2024-05-20. Review status: criteria provided, single submitter. Criteria: Myriad Autosomal Dominant, Autosomal Recessive and X-Linked Classification Criteria (2023). Collection method: clinical testing. Allele origin: unknown.
Comment: This variant is considered likely benign. This variant is strongly associated with less severe personal and family histories of cancer, typical for individuals without pathogenic variants in this gene [PMID: 25085752].

GeneDx
Classification: Uncertain significance. Last evaluated: 2024-01-19. Review status: criteria provided, single submitter. Criteria: GeneDx Variant Classification Process June 2021. Collection method: clinical testing. Allele origin: germline. Affected: yes.
Comment: In silico analysis supports that this missense variant has a deleterious effect on protein structure/function; Observed in individuals with breast or colorectal cancer and also in healthy controls (PMID: 25186627, 27978560, 28652578, 28135145, 29785153, 29522266, 29641532, 29684080, 33471991, 37239058); This variant is associated with the following publications: (PMID: 22529920, 27978560, 28135145, 26517685, 28652578, 29785153, 29522266, 29684080, 25186627, 29641532, 26193622, 27720647, 31422574, 33471991, 37239058)

Department of Pathology and Laboratory Medicine, Sinai Health System
Classification: Uncertain significance for Familial cancer of breast. Last evaluated: 2022-07-06. Review status: criteria provided, single submitter. Criteria: ACMG Guidelines, 2015. Collection method: clinical testing. Allele origin: germline. Affected: yes.

Color Diagnostics, LLC DBA Color Health
Classification: Likely benign for Hereditary cancer-predisposing syndrome. Last evaluated: 2021-10-26. Review status: criteria provided, single submitter. Criteria: ACMG Guidelines, 2015. Collection method: clinical testing. Allele origin: germline.

Sema4
Classification: Uncertain significance for Hereditary cancer-predisposing syndrome. Last evaluated: 2021-09-24. Review status: criteria provided, single submitter. Criteria: Sema4 Curation Guidelines. Collection method: curation. Allele origin: germline.
Comment: The ATM c.4768C>T (p.L1590F) has been reported in heterozygosity in individuals with colorectal and breast cancer (PMID: 27978560, 28135145, 33471991), however it has also been reported in healthy controls (PMID: 33471991, 28652578). It was observed in 46/128600 chromosomes of the Non-Finnish European subpopulation, with no homozygotes, in the large and broad cohorts of the Genome Aggregation Database. The variant has been reported in ClinVar (Variation ID: 181961). Functional studies have not been performed, and in silico predictions of the variant's effect on protein function are inconclusive. The evidence is insufficient to meet ACMG/AMP criteria for classifying the variant as benign or pathogenic. Thus, the clinical significance of this variant is currently uncertain.

Ambry Genetics
Classification: Likely benign for Hereditary cancer-predisposing syndrome. Last evaluated: 2020-04-21. Review status: criteria provided, single submitter. Criteria: Ambry Variant Classification Scheme 2023. Collection method: clinical testing. Allele origin: germline.

Division of Medical Genetics, University of Washington
Classification: Uncertain significance for Familial cancer of breast. Last evaluated: 2019-11-12. Review status: criteria provided, single submitter. Criteria: ACMG Guidelines, 2015. Collection method: clinical testing. Allele origin: germline. Affected: no. Study: CSER_CHARM.
Comment: This variant has been reported in the literature in individuals with breast cancer and colon cancer (Yurgelun 2017, Pearlman 2017, Goidescu 2018). This variant has an overall allele frequency of 0.0002 in the Broad Institute gnomAD Browser. In silico analyses indicate this is an evolutionarily conserved residue. Thus, it is unknown at this time whether this variant increases cancer risk. PP3

Fulgent Genetics
Classification: Uncertain significance for Familial cancer of breast; Ataxia-telangiectasia syndrome. Last evaluated: 2017-05-23. Review status: criteria provided, single submitter. Criteria: ACMG Guidelines, 2015. Collection method: clinical testing. Allele origin: unknown.

Natera, Inc.
Classification: Uncertain significance for Ataxia-telangiectasia. Last evaluated: 2020-09-16. Review status: no assertion criteria provided. Collection method: clinical testing. Allele origin: germline. Not counted in ClinVar's aggregate classification.

Counsyl
Classification: Uncertain significance for Ataxia-telangiectasia syndrome. Last evaluated: 2018-05-21. Review status: no assertion criteria provided. Collection method: clinical testing. Allele origin: unknown. Not counted in ClinVar's aggregate classification.

Literature cited by the submitters: PubMed 22529920 (cited by Women's Health and Genetics/Laboratory Corporation of America, LabCorp and Counsyl); PubMed 25186627 (cited by Women's Health and Genetics/Laboratory Corporation of America, LabCorp); PubMed 26517685 (cited by 3 submitters); PubMed 27978560 (cited by 5 submitters); PubMed 28135145 (cited by 4 submitters); PubMed 29785153 (cited by Women's Health and Genetics/Laboratory Corporation of America, LabCorp and Ambry Genetics); PubMed 33436325 (cited by Women's Health and Genetics/Laboratory Corporation of America, LabCorp); PubMed 34262154 (cited by Women's Health and Genetics/Laboratory Corporation of America, LabCorp); PubMed 37239058 (cited by Women's Health and Genetics/Laboratory Corporation of America, LabCorp); PubMed 40508121 (cited by Women's Health and Genetics/Laboratory Corporation of America, LabCorp); PubMed 25085752 (cited by Myriad Genetics, Inc.); PubMed 28652578 (cited by 4 submitters); PubMed 33471991 (cited by Sema4).